The following is an entry in ClinVar:

ClinVar aggregate classification (germline): Uncertain significance (1 of 4 stars; one submission).

Conditions:
Familial thoracic aortic aneurysm and aortic dissection (TAAD). Also called: Thoracic aortic aneurysms and dissections. Identifiers: Orphanet 91387, MedGen C4707243, MONDO:0019625.

Submission:

Color Diagnostics, LLC DBA Color Health
Classification: Uncertain significance for Familial thoracic aortic aneurysm and aortic dissection. Last evaluated: 2024-03-06. Review status: criteria provided, single submitter. Criteria: ACMG Guidelines, 2015. Collection method: clinical testing. Allele origin: germline.
Comment: This missense variant replaces arginine with lysine at codon 667 of the FBN1 protein. Computational prediction suggests that this variant may not impact protein structure and function (internally defined REVEL score threshold <= 0.5, PMID: 27666373). Splice site prediction tools suggest that this variant may not impact RNA splicing. To our knowledge, functional studies have not been performed for this variant. This variant has not been reported in individuals affected with cardiovascular disorders in the literature. This variant has not been identified in the general population by the Genome Aggregation Database (gnomAD). The available evidence is insufficient to determine the role of this variant in disease conclusively. Therefore, this variant is classified as a Variant of Uncertain Significance.

NM_000138.5(FBN1):c.2000G>A (p.Arg667Lys)

Gene: FBN1 (fibrillin 1; minus strand). Cytogenetic location: 15q21.1.
Variant type: single nucleotide variant.
Coding change: c.2000G>A on transcript NM_000138.5 (MANE Select); coding-DNA position 2000, G replaced by A.
Protein change: p.Arg667Lys; replaces arginine 667 with lysine.
Molecular consequence: missense variant.
Genome position (GRCh38, 1-based): chr15:48,503,900, C>T on the plus strand (G>A on the coding strand, the complement: FBN1 is on the minus strand). VCF-style: chr15-48503900-C-T. GRCh37 (hg19) VCF-style: chr15-48796097-C-T.
Other names: short protein forms R667K.
Identifiers: ClinVar variation 921857 (VCV000921857.4), dbSNP rs2043685894, ClinGen allele CA392338666.